The following is an entry in ClinVar:

ClinVar aggregate classification (germline): Conflicting classifications of pathogenicity. Review status: criteria provided, conflicting classifications (1 of 4 stars). 2 submissions from 2 submitters: Uncertain significance (1); Likely benign (1). Last evaluated 2025-02-01.

Conditions:
Immunodeficiency 104. Also called: SCID, AUTOSOMAL RECESSIVE, T CELL-NEGATIVE, B CELL-POSITIVE, NK CELL-POSITIVE; Severe combined immunodeficiency, autosomal recessive, T cell-negative, B cell-positive, NK cell-positive; Severe Combined Immune Deficiency, Autosomal Recessive, TCell -Negative, B Cell-Positive, NK Cell-Positive, IL7R-Related; IMMUNODEFICIENCY 104, SEVERE COMBINED. Identifiers: MedGen C5676890, MONDO:0012163, OMIM 608971.

Allele frequency attached by ClinVar (database versions not stated): ExAC 0.00001; TOPMed 0.00001.

Submissions (2):

CeGaT Center for Human Genetics Tuebingen
Classification: Likely benign. Last evaluated: 2025-02-01. Review status: criteria provided, single submitter. Criteria: CeGaT Center For Human Genetics Tuebingen Variant Classification Criteria Version 2. Collection method: clinical testing. Allele origin: germline. Affected: yes. Observed: 1 variant allele.
Comment: PTPRC: BP4

Labcorp Genetics (formerly Invitae), Labcorp
Classification: Uncertain significance for Immunodeficiency 104. Last evaluated: 2024-11-11. Review status: criteria provided, single submitter. Criteria: Invitae Variant Classification Sherloc (09022015). Collection method: clinical testing. Allele origin: germline.
Comment: This sequence change replaces threonine, which is neutral and polar, with serine, which is neutral and polar, at codon 126 of the PTPRC protein (p.Thr126Ser). This variant is present in population databases (rs779106980, gnomAD 0.004%). This variant has not been reported in the literature in individuals affected with PTPRC-related conditions. ClinVar contains an entry for this variant (Variation ID: 2165503). An algorithm developed to predict the effect of missense changes on protein structure and function (PolyPhen-2) suggests that this variant¬†is likely to be tolerated. In summary, the available evidence is currently insufficient to determine the role of this variant in disease. Therefore, it has been classified as a Variant of Uncertain Significance.

NM_002838.5(PTPRC):c.376A>T (p.Thr126Ser)

Gene: PTPRC (protein tyrosine phosphatase receptor type C; plus strand). Cytogenetic location: 1q31.3.
Variant type: single nucleotide variant.
Coding change: c.376A>T on transcript NM_002838.5 (MANE Select); coding-DNA position 376, A replaced by T.
Protein change: p.Thr126Ser; replaces threonine 126 with serine.
Molecular consequence: missense variant. On other transcripts: intron variant (1).
Genome position (GRCh38, 1-based): chr1:198,699,641, A>T. VCF-style: chr1-198699641-A-T. GRCh37 (hg19) VCF-style: chr1-198668770-A-T.
Other names: c.101-3657A>T (NM_080921.4); short protein forms T126S.
Identifiers: ClinVar variation 2165503 (VCV002165503.15), dbSNP rs779106980, ClinGen allele CA1314476.